The following is an entry in ClinVar:

ClinVar aggregate classification (germline): Benign (1 of 4 stars; one submission).

Allele frequency attached by ClinVar (database versions not stated): 1000 Genomes Project 0.00300; 1000 Genomes Project 30x 0.00344; gnomAD 0.00435 and 0.00437; TOPMed 0.00496.
gnomAD v4.1: 659 of 152,224 alleles (0.43%); highest among the groups gnomAD compares: Admixed American, 0.73%; 4 homozygotes.

Submission:

CeGaT Center for Human Genetics Tuebingen
Classification: Benign. Last evaluated: 2026-09-01. Review status: criteria provided, single submitter. Criteria: CeGaT Center For Human Genetics Tuebingen Variant Classification Criteria Version 2. Collection method: clinical testing. Allele origin: germline. Affected: yes. Observed: 37 variant alleles.
Comment: FGFR1: BS1, BS2

NM_023110.3(FGFR1):c.-88-1068C>G

Gene: FGFR1 (fibroblast growth factor receptor 1; minus strand). Cytogenetic location: 8p11.23.
Variant type: single nucleotide variant.
Coding change: c.-88-1068C>G on transcript NM_023110.3 (MANE Select); 1068 bases into the intron before 88 bases upstream of the start codon, C replaced by G.
Molecular consequence: intron variant.
Genome position (GRCh38, 1-based): chr8:38,458,602, G>C on the plus strand (C>G on the coding strand, the complement: FGFR1 is on the minus strand). VCF-style: chr8-38458602-G-C. GRCh37 (hg19) VCF-style: chr8-38316120-G-C.
Other names: c.-88-1068C>G (NM_001354368.2, NM_001354370.2, NM_023106.3 and 7 more transcripts); c.-180-1068C>G (NM_001174064.2); c.12-1068C>G (NM_001174067.2).
Identifiers: ClinVar variation 1695227 (VCV001695227.31), dbSNP rs17182148, ClinGen allele CA175774571.